The following is an entry in ClinVar:

NM_002528.7(NTHL1):c.434G>C (p.Arg145Pro)

Gene: NTHL1 (nth like DNA glycosylase 1; minus strand). Cytogenetic location: 16p13.3.
Variant type: single nucleotide variant.
Coding change: c.434G>C on transcript NM_002528.7 (MANE Select); coding-DNA position 434, G replaced by C.
Protein change: p.Arg145Pro; replaces arginine 145 with proline.
Molecular consequence: missense variant. On other transcripts: intron variant (1).
Genome position (GRCh38, 1-based): chr16:2,044,721, C>G on the plus strand (G>C on the coding strand, the complement: NTHL1 is on the minus strand). VCF-style: chr16-2044721-C-G. GRCh37 (hg19) VCF-style: chr16-2094722-C-G.
Other names: c.104G>C, p.Arg35Pro (NM_001318194.2); c.355-995G>C (NM_001318193.2); short protein forms R145P, R35P.
Identifiers: ClinVar variation 3408226 (VCV003408226.1).

ClinVar aggregate classification (germline): Uncertain significance (1 of 4 stars; one submission).

Conditions:
Hereditary cancer-predisposing syndrome. Also called: Neoplastic Syndromes, Hereditary; Tumor predisposition; Hereditary Cancer Syndrome; Hereditary neoplastic syndrome. Identifiers: Orphanet 140162, MedGen C0027672, MeSH D009386, MONDO:0015356.

Submission:

Ambry Genetics
Classification: Uncertain significance for Hereditary cancer-predisposing syndrome. Last evaluated: 2024-11-15. Review status: criteria provided, single submitter. Criteria: Ambry Variant Classification Scheme 2023. Collection method: clinical testing. Allele origin: germline.
Comment: The p.R153P variant (also known as c.458G>C), located in coding exon 3 of the NTHL1 gene, results from a G to C substitution at nucleotide position 458. The arginine at codon 153 is replaced by proline, an amino acid with dissimilar properties. This amino acid position is conserved. In addition, this alteration is predicted to be deleterious by in silico analysis. Based on the available evidence, the clinical significance of this variant remains unclear.